The following is an entry in ClinVar:

ClinVar aggregate classification (germline): Likely benign (1 of 4 stars; one submission).

Allele frequency attached by ClinVar (database versions not stated): gnomAD exomes 0.00016; gnomAD 0.00214; 1000 Genomes Project 0.00220; TOPMed 0.00227; 1000 Genomes Project 30x 0.00234.
gnomAD v4.1: 512 of 1,291,568 alleles (0.04%); highest among the groups gnomAD compares: African/African-American, 0.72%; 5 homozygotes.

Submission:

CeGaT Center for Human Genetics Tuebingen
Classification: Likely benign. Last evaluated: 2024-04-01. Review status: criteria provided, single submitter. Criteria: CeGaT Center For Human Genetics Tuebingen Variant Classification Criteria Version 2. Collection method: clinical testing. Allele origin: germline. Affected: yes. Observed: 2 variant alleles.
Comment: RALGAPA1: BS2

NM_001346249.2(RALGAPA1):c.3554G>C (p.Ser1185Thr)

Gene: RALGAPA1 (Ral GTPase activating protein catalytic subunit alpha 1; minus strand). Cytogenetic location: 14q13.2.
Variant type: single nucleotide variant.
Coding change: c.3554G>C on transcript NM_001346249.2 (MANE Select); coding-DNA position 3554, G replaced by C.
Protein change: p.Ser1185Thr; replaces serine 1185 with threonine.
Molecular consequence: missense variant. On other transcripts: intron variant (8).
Genome position (GRCh38, 1-based): chr14:35,688,857, C>G on the plus strand (G>C on the coding strand, the complement: RALGAPA1 is on the minus strand). VCF-style: chr14-35688857-C-G. GRCh37 (hg19) VCF-style: chr14-36158063-C-G.
Other names: c.3413G>C, p.Ser1138Thr (NM_001330075.3, NM_001346248.2); c.2434+979G>C (NM_194301.4, NM_001346246.2, NM_014990.3 and 1 more transcripts); c.2435-317G>C (NM_001283043.3); c.2575+979G>C (NM_001346247.2, NM_001283044.3, NM_001346245.2); short protein forms S1138T, S1185T.
Identifiers: ClinVar variation 2644171 (VCV002644171.24), dbSNP rs144748142, ClinGen allele CA258879025.
Genomic context (GRCh38, chr14:35,688,857, plus strand): 5'-TCTGTAGCACTATTTGTGCTGGTATGGGTGTTGCTAGTGCTGCTATTGCTGCTACCACTA[C>G]TAAAGCCACCGAGCTTCCGCAGTCTCATCTTCCATGGAGCCTCTTTGTTTTCCAGAGGAT-3'
Protein context (NP_001333178.1, residues 1175-1195): KMRLRKLGGF[Ser1185Thr]SGSSNSSTSN